The following is an entry in ClinVar:

ClinVar aggregate classification (germline): Likely benign (1 of 4 stars; one submission).

Allele frequency attached by ClinVar (database versions not stated): 1000 Genomes Project 30x 0.00156; 1000 Genomes Project 0.00160; ExAC 0.00376; TOPMed 0.00381; gnomAD 0.00395; ESP Exome Variant Server 0.00461; gnomAD exomes 0.00520.

Submission:

CeGaT Center for Human Genetics Tuebingen
Classification: Likely benign. Last evaluated: 2024-03-01. Review status: criteria provided, single submitter. Criteria: CeGaT Center For Human Genetics Tuebingen Variant Classification Criteria Version 2. Collection method: clinical testing. Allele origin: germline. Affected: yes. Observed: 1 variant allele.
Comment: RIN3: BS2

NM_024832.5(RIN3):c.2377T>C (p.Tyr793His)

Gene: RIN3 (Ras and Rab interactor 3; plus strand). Cytogenetic location: 14q32.12.
Variant type: single nucleotide variant.
Coding change: c.2377T>C on transcript NM_024832.5 (MANE Select); coding-DNA position 2377, T replaced by C.
Protein change: p.Tyr793His; replaces tyrosine 793 with histidine.
Molecular consequence: missense variant.
Genome position (GRCh38, 1-based): chr14:92,676,516, T>C. VCF-style: chr14-92676516-T-C. GRCh37 (hg19) VCF-style: chr14-93142861-T-C.
Other names: c.2152T>C, p.Tyr718His (NM_001319987.2); short protein forms Y718H, Y793H.
Identifiers: ClinVar variation 3067206 (VCV003067206.21), dbSNP rs147042536, ClinGen allele CA7316973.